The following is an entry in ClinVar:

ClinVar aggregate classification (germline): Uncertain significance. Review status: criteria provided, multiple submitters, no conflicts (2 of 4 stars). 4 submissions from 4 submitters: Uncertain significance (4). Last evaluated 2026-04-07.

Conditions:
Familial thoracic aortic aneurysm and aortic dissection (TAAD). Also called: Thoracic aortic aneurysms and dissections. Identifiers: Orphanet 91387, MedGen C4707243, MONDO:0019625.
Hereditary cancer-predisposing syndrome. Also called: Neoplastic Syndromes, Hereditary; Hereditary Cancer Syndrome; Tumor predisposition; Hereditary neoplastic syndrome. Identifiers: Orphanet 140162, MedGen C0027672, MeSH D009386, MONDO:0015356.
Juvenile polyposis syndrome (JPS). Identifiers: Orphanet 2929, MedGen C0345893, MONDO:0017380, OMIM 174900.
SMAD4-related disorder. Also called: SMAD4-related condition; SMAD4-Related disorders.
Juvenile polyposis/hereditary hemorrhagic telangiectasia syndrome (JPHT). Also called: JP/HHT SYNDROME; JUVENILE POLYPOSIS WITH HEREDITARY HEMORRHAGIC TELANGIECTASIA; POLYPOSIS, GENERALIZED JUVENILE, WITH PULMONARY ARTERIOVENOUS MALFORMATION; TELANGIECTASIA, HEREDITARY HEMORRHAGIC, WITH JUVENILE POLYPOSIS COLI; Juvenile Polyposis Syndrome / Hereditary Hemorrhagic Telangiectasia (JPS/HHT). Identifiers: Orphanet 2929, MedGen C1832942, MONDO:0008278, OMIM 175050.

gnomAD v4.1: 4 of 1,614,136 alleles (0.00025%); highest among the groups gnomAD compares: Non-Finnish European, 0.00025%; no homozygotes.

Submissions (4):

PreventionGenetics, part of Exact Sciences
Classification: Uncertain significance for SMAD4-related condition. Last evaluated: 2026-04-07. Review status: criteria provided, single submitter. Criteria: ACMG Guidelines, 2015. Collection method: clinical testing. Allele origin: germline.
Comment: The SMAD4 c.574A>G variant is predicted to result in the amino acid substitution p.Thr192Ala. To our knowledge, this variant has not been reported in the literature or in a large population database (gnomAD), indicating this variant is rare. This variant is classified as a variant of uncertain significance in ClinVar (Variation ID: 825938). At this time, the clinical significance of this variant is uncertain due to the absence of conclusive functional and genetic evidence.

Ambry Genetics
Classification: Uncertain significance for Hereditary cancer-predisposing syndrome; Familial thoracic aortic aneurysm and aortic dissection. Last evaluated: 2025-01-10. Review status: criteria provided, single submitter. Criteria: Ambry Variant Classification Scheme 2023. Collection method: clinical testing. Allele origin: germline.
Comment: The p.T192A variant (also known as c.574A>G), located in coding exon 4 of the SMAD4 gene, results from an A to G substitution at nucleotide position 574. The threonine at codon 192 is replaced by alanine, an amino acid with similar properties. This amino acid position is not well conserved in available vertebrate species. In addition, this alteration is predicted to be tolerated by in silico analysis. Since supporting evidence is limited at this time, the clinical significance of this alteration remains unclear.

Labcorp Genetics (formerly Invitae), Labcorp
Classification: Uncertain significance for Juvenile polyposis syndrome. Last evaluated: 2024-07-11. Review status: criteria provided, single submitter. Criteria: Invitae Variant Classification Sherloc (09022015). Collection method: clinical testing. Allele origin: germline.
Comment: This sequence change replaces threonine, which is neutral and polar, with alanine, which is neutral and non-polar, at codon 192 of the SMAD4 protein (p.Thr192Ala). This variant is not present in population databases (gnomAD no frequency). This variant has not been reported in the literature in individuals affected with SMAD4-related conditions. ClinVar contains an entry for this variant (Variation ID: 825938). An algorithm developed to predict the effect of missense changes on protein structure and function outputs the following: PolyPhen-2: "Benign". The alanine amino acid residue is found in multiple mammalian species, which suggests that this missense change does not adversely affect protein function. In summary, the available evidence is currently insufficient to determine the role of this variant in disease. Therefore, it has been classified as a Variant of Uncertain Significance.

All of Us Research Program, National Institutes of Health
Classification: Uncertain significance for Juvenile polyposis/hereditary hemorrhagic telangiectasia syndrome. Last evaluated: 2023-01-10. Review status: criteria provided, single submitter. Criteria: ACMG Guidelines, 2015. Collection method: clinical testing. Allele origin: germline. Inheritance: Autosomal dominant inheritance. Observed: 1 variant allele, 1 heterozygote.
Comment: This missense variant replaces threonine with alanine at codon 192 of the SMAD4 protein. Computational prediction suggests that this variant may not impact protein structure and function (internally defined REVEL score threshold <= 0.5, PMID: 27666373). To our knowledge, functional studies have not been reported for this variant. This variant has not been reported in individuals affected with hereditary cancer in the literature. This variant has not been identified in the general population by the Genome Aggregation Database (gnomAD). The available evidence is insufficient to determine the role of this variant in disease conclusively. Therefore, this variant is classified as a Variant of Uncertain Significance.

This study involves interpretation of variants in research participants for the purpose of population health screening. Participant phenotype was not available at the time of variant classification. Additional details can be found in publication PMID: 35346344, PMCID: PMC8962531

NM_005359.6(SMAD4):c.574A>G (p.Thr192Ala)

Gene: SMAD4 (SMAD family member 4; plus strand). Cytogenetic location: 18q21.2.
Variant type: single nucleotide variant.
Coding change: c.574A>G on transcript NM_005359.6 (MANE Select); coding-DNA position 574, A replaced by G.
Protein change: p.Thr192Ala; replaces threonine 192 with alanine.
Molecular consequence: missense variant.
Genome position (GRCh38, 1-based): chr18:51,054,900, A>G. VCF-style: chr18-51054900-A-G. GRCh37 (hg19) VCF-style: chr18-48581270-A-G.
Other names: short protein forms T192A.
Identifiers: ClinVar variation 825938 (VCV000825938.15), dbSNP rs1599186944, ClinGen allele CA402461017.